The following is an entry in ClinVar:

ClinVar aggregate classification (germline): Likely pathogenic (1 of 4 stars; one submission).

Submission:

Mayo Clinic Laboratories, Mayo Clinic
Classification: Likely pathogenic. Last evaluated: 2023-11-28. Review status: criteria provided, single submitter. Criteria: ACMG Guidelines, 2015. Collection method: clinical testing. Allele origin: germline. Observed: 1 variant allele.
Comment: PM2, PVS1

NM_000138.5(FBN1):c.3130dup (p.Cys1044fs)

Gene: FBN1 (fibrillin 1; minus strand). Cytogenetic location: 15q21.1.
Variant type: Duplication.
Coding change: c.3130dup on transcript NM_000138.5 (MANE Select); coding-DNA position 3130, one base duplicated (T; older notation c.3130dupT).
Protein change: p.Cys1044fs; shifts the reading frame from cysteine 1044.
Molecular consequence: frameshift variant.
Genome position (GRCh38, 1-based): chr15:48,488,446, A duplicated on the plus strand (T on the coding strand, the reverse complement: FBN1 is on the minus strand). VCF-style (leftmost placement, unchanged base first): chr15-48488445-C-CA. GRCh37 (hg19) VCF-style: chr15-48780642-C-CA.
Other names: p.Cys1044Leufs*9; c.3130dup, p.Cys1044fs (NM_001406716.1); short protein forms C1044fs.
Identifiers: ClinVar variation 3381127 (VCV003381127.1).